The following is an entry in ClinVar:

NM_032314.4(COQ5):c.133C>T (p.Gln45Ter)

Gene: COQ5 (coenzyme Q5, methyltransferase; minus strand). Cytogenetic location: 12q24.31.
Variant type: single nucleotide variant.
Coding change: c.133C>T on transcript NM_032314.4 (MANE Select); coding-DNA position 133, C replaced by T.
Protein change: p.Gln45Ter; replaces glutamine 45 with a stop codon.
Molecular consequence: nonsense.
Genome position (GRCh38, 1-based): chr12:120,529,009, G>A on the plus strand (C>T on the coding strand, the complement: COQ5 is on the minus strand). VCF-style: chr12-120529009-G-A. GRCh37 (hg19) VCF-style: chr12-120966812-G-A.
Other names: short protein forms Q45*.
Identifiers: ClinVar variation 4292470 (VCV004292470.1).
Genomic context (GRCh38, chr12:120,529,009, plus strand): 5'-CCTTCTCCTCTTCCGACACAGTCTCAAACCCAAAGTGCGTTTCCGCTGCCCGCTTCTCTT[G>A]GGACAAGAGCCGAGCACTTAGTAGGTCCCCGGGCCAAGAGCTACGAAGCCCGAGGAGCTG-3'

ClinVar aggregate classification (germline): Likely pathogenic (1 of 4 stars; one submission).

Conditions:
Coenzyme q10 deficiency, primary, 9. Identifiers: MedGen C5436638, MONDO:0033615, OMIM 619028.

Submission:

3billion
Classification: Likely pathogenic for Coenzyme q10 deficiency, primary, 9. Last evaluated: 2024-06-14. Review status: criteria provided, single submitter. Criteria: ACMG Guidelines, 2015. Collection method: clinical testing. Allele origin: germline. Affected: yes.
Comment: The variant is observed at an extremely low frequency in the gnomAD v4.0.0 dataset (total allele frequency: <0.001%). Predicted Consequence/Location: Stop-gained (nonsense): predicted to result in a loss or disruption of normal protein function through nonsense-mediated decay (NMD) or protein truncation. Therefore, this variant is classified as Likely pathogenic according to the recommendation of ACMG/AMP guideline.